The following is an entry in ClinVar:

ClinVar aggregate classification (germline): Uncertain significance (1 of 4 stars; one submission).

Submission:

Labcorp Genetics (formerly Invitae), Labcorp
Classification: Uncertain significance. Last evaluated: 2022-06-15. Review status: criteria provided, single submitter. Criteria: Invitae Variant Classification Sherloc (09022015). Collection method: clinical testing. Allele origin: germline.
Comment: In summary, the available evidence is currently insufficient to determine the role of this variant in disease. Therefore, it has been classified as a Variant of Uncertain Significance. Algorithms developed to predict the effect of missense changes on protein structure and function are either unavailable or do not agree on the potential impact of this missense change (SIFT: "Deleterious"; PolyPhen-2: "Benign"; Align-GVGD: "Class C55"). This variant has not been reported in the literature in individuals affected with LRP5-related conditions. This variant is not present in population databases (gnomAD no frequency). This sequence change replaces glutamic acid, which is acidic and polar, with lysine, which is basic and polar, at codon 480 of the LRP5 protein (p.Glu480Lys).

NM_002335.4(LRP5):c.1438G>A (p.Glu480Lys)

Gene: LRP5 (LDL receptor related protein 5; plus strand). Cytogenetic location: 11q13.2.
Variant type: single nucleotide variant.
Coding change: c.1438G>A on transcript NM_002335.4 (MANE Select); coding-DNA position 1438, G replaced by A.
Protein change: p.Glu480Lys; replaces glutamic acid 480 with lysine.
Molecular consequence: missense variant. On other transcripts: intron variant (1).
Genome position (GRCh38, 1-based): chr11:68,389,906, G>A. VCF-style: chr11-68389906-G-A. GRCh37 (hg19) VCF-style: chr11-68157374-G-A.
Other names: c.-354+3194G>A (NM_001291902.2); short protein forms E480K.
Identifiers: ClinVar variation 2133204 (VCV002133204.4), dbSNP rs2496621817, ClinGen allele CA381612960.
Genomic context (GRCh38, chr11:68,389,906, plus strand): 5'-ACTCATGGGGTCATGGACTTCTGCTTCTTCTCCAGCCTCATGTACTGGACAGACTGGGGA[G>A]AGAACCCTAAAATCGAGTGTGCCAACTTGGATGGGCAGGAGCGGCGTGTGCTGGTCAATG-3'
Protein context (NP_002326.2, residues 470-490): MGLMYWTDWG[Glu480Lys]NPKIECANLD